The following is an entry in ClinVar:

NM_000492.4(CFTR):c.566A>G (p.Asn189Ser)

Gene: CFTR (CF transmembrane conductance regulator; plus strand). Cytogenetic location: 7q31.2.
Variant type: single nucleotide variant.
Coding change: c.566A>G on transcript NM_000492.4 (MANE Select); coding-DNA position 566, A replaced by G.
Protein change: p.Asn189Ser; replaces asparagine 189 with serine.
Molecular consequence: missense variant.
Genome position (GRCh38, 1-based): chr7:117,534,352, A>G. VCF-style: chr7-117534352-A-G. GRCh37 (hg19) VCF-style: chr7-117174406-A-G.
Other names: short protein forms N189S.
Identifiers: ClinVar variation 4897572 (VCV004897572.2).

ClinVar aggregate classification (germline): Uncertain significance. Review status: criteria provided, multiple submitters, no conflicts (2 of 4 stars). 2 submissions from 2 submitters: Uncertain significance (2). Last evaluated 2026-07-14.

Conditions:
Cystic fibrosis (CF). Also called: MUCOVISCIDOSIS. Identifiers: Orphanet 586, MedGen C0010674, MONDO:0009061, OMIM 219700. Disease mechanism: loss of function.

gnomAD v4.1: 4 of 1,568,306 alleles (0.00026%); highest among the groups gnomAD compares: Non-Finnish European, 0.00035%; no homozygotes.

Submissions (2):

Ambry Genetics
Classification: Uncertain significance for Cystic fibrosis. Last evaluated: 2026-07-14. Review status: criteria provided, single submitter. Criteria: Ambry Variant Classification Scheme 2023. Collection method: clinical testing. Allele origin: germline.
Comment: The p.N189S variant (also known as c.566A>G), located in coding exon 5 of the CFTR gene, results from an A to G substitution at nucleotide position 566. The asparagine at codon 189 is replaced by serine, an amino acid with highly similar properties. This amino acid position is highly conserved in available vertebrate species. In addition, the in silico prediction for this alteration is inconclusive. Based on the available evidence, the clinical significance of this variant remains unclear.

Blueprint Genetics
Classification: Uncertain significance. Last evaluated: 2024-10-22. Review status: criteria provided, single submitter. Criteria: ACMG Guidelines, 2015. Collection method: clinical testing. Allele origin: germline.